The following is an entry in ClinVar:

NM_000061.3(BTK):c.1545del (p.Lys515fs)

Gene: BTK (Bruton tyrosine kinase; minus strand). Cytogenetic location: Xq22.1.
Variant type: Deletion.
Coding change: c.1545del on transcript NM_000061.3 (MANE Select); coding-DNA position 1545, one base deleted (G; older notation c.1545delG).
Protein change: p.Lys515fs; shifts the reading frame from lysine 515.
Molecular consequence: frameshift variant. On other transcripts: intron variant (1).
Genome position (GRCh38, 1-based): chrX:101,356,073, C deleted on the plus strand (G on the coding strand, the reverse complement: BTK is on the minus strand). VCF-style (leftmost placement, unchanged base first): chrX-101356072-GC-G. GRCh37 (hg19) VCF-style: chrX-100611060-GC-G.
Other names: c.1647del, p.Lys549fs (NM_001287344.2); c.1039-1379del (NM_001287345.2); short protein forms K515fs, K549fs.
Identifiers: ClinVar variation 4726842 (VCV004726842.1).

ClinVar aggregate classification (germline): Pathogenic (1 of 4 stars; one submission).

Conditions:
X-linked agammaglobulinemia with growth hormone deficiency (IGHD3). Also called: Isolated growth hormone deficiency type 3; Growth hormone deficiency with hypogammaglobulinemia; AGAMMAGLOBULINEMIA AND ISOLATED GROWTH HORMONE DEFICIENCY, X-LINKED; ISOLATED GROWTH HORMONE DEFICIENCY, TYPE III, WITH AGAMMAGLOBULINEMIA; FLEISHER SYNDROME; HYPOGAMMAGLOBULINEMIA AND ISOLATED GROWTH HORMONE DEFICIENCY, X-LINKED. Identifiers: Orphanet 231692, Orphanet 631, MedGen C0472813, MONDO:0010615, OMIM 307200.

Submission:

Labcorp Genetics (formerly Invitae), Labcorp
Classification: Pathogenic for X-linked agammaglobulinemia with growth hormone deficiency. Last evaluated: 2025-09-24. Review status: criteria provided, single submitter. Criteria: Invitae Variant Classification Sherloc (09022015). Collection method: clinical testing. Allele origin: germline.
Comment: This sequence change creates a premature translational stop signal (p.Lys515Asnfs*15) in the BTK gene. It is expected to result in an absent or disrupted protein product. Loss-of-function variants in BTK are known to be pathogenic (PMID: 15661032, 16862044, 19419768). This variant is not present in population databases (gnomAD no frequency). This variant has not been reported in the literature in individuals affected with BTK-related conditions. For these reasons, this variant has been classified as Pathogenic.

Literature cited by the submitters: PubMed 15661032; PubMed 16862044; PubMed 19419768.